The following is an entry in ClinVar:

NM_001382567.1(STIM1):c.1674G>A (p.Met558Ile)

Gene: STIM1 (stromal interaction molecule 1; plus strand). Cytogenetic location: 11p15.4.
Variant type: single nucleotide variant.
Coding change: c.1674G>A on transcript NM_001382567.1 (MANE Select); coding-DNA position 1674, G replaced by A.
Protein change: p.Met558Ile; replaces methionine 558 with isoleucine.
Molecular consequence: missense variant. On other transcripts: non-coding transcript variant (3).
Genome position (GRCh38, 1-based): chr11:4,091,321, G>A. VCF-style: chr11-4091321-G-A. GRCh37 (hg19) VCF-style: chr11-4112551-G-A.
Other names: c.1899G>A, p.Met633Ile (NM_001277961.3); c.1618G>A, p.Glu540Lys (NM_001277962.2); c.1677G>A, p.Met559Ile (NM_001382566.1); c.1602G>A, p.Met534Ile (NM_001382568.1); c.1446G>A, p.Met482Ile (NM_001382569.1); c.1353G>A, p.Met451Ile (NM_001382570.1); c.1101G>A, p.Met367Ile (NM_001382571.1); c.1359G>A, p.Met453Ile (NM_001382575.1, NM_001382576.1, NM_001382577.1); and 4 more; short protein forms M527I, M633I, E540K, E377K, E466K, M364I, M367I, M451I.
Identifiers: ClinVar variation 569772 (VCV000569772.10), dbSNP rs146111967, ClinGen allele CA5830587.

ClinVar aggregate classification (germline): Uncertain significance (1 of 4 stars; one submission).

Conditions:
Combined immunodeficiency due to STIM1 deficiency. Also called: STIM1 DEFICIENCY; IMMUNODEFICIENCY 10. Identifiers: Orphanet 169090, Orphanet 317430, MedGen C2748557, MONDO:0013008, OMIM 612783.
Myopathy with tubular aggregates (TAM). Also called: Tubular Aggregate Myopathy. Identifiers: Orphanet 2593, MedGen C0410207, MONDO:0008051.
Stormorken syndrome (STRMK). Also called: THROMBOCYTOPATHY, ASPLENIA, AND MIOSIS. Identifiers: Orphanet 3204, MedGen C1861451, MONDO:0008497, OMIM 185070.

Allele frequency attached by ClinVar (database versions not stated): gnomAD exomes below 0.00001; ExAC 0.00001; TOPMed 0.00001; gnomAD 0.00002; ESP Exome Variant Server 0.00008.
gnomAD v4.1: 4 of 1,614,050 alleles (0.00025%); highest among the groups gnomAD compares: African/African-American, 0.004%; no homozygotes.

Submission:

Labcorp Genetics (formerly Invitae), Labcorp
Classification: Uncertain significance for Myopathy with tubular aggregates; Combined immunodeficiency due to STIM1 deficiency; Stormorken syndrome. Last evaluated: 2024-02-17. Review status: criteria provided, single submitter. Criteria: Invitae Variant Classification Sherloc (09022015). Collection method: clinical testing. Allele origin: germline.
Comment: This sequence change replaces methionine, which is neutral and non-polar, with isoleucine, which is neutral and non-polar, at codon 527 of the STIM1 protein (p.Met527Ile). This variant is present in population databases (rs146111967, gnomAD 0.007%). This variant has not been reported in the literature in individuals affected with STIM1-related conditions. ClinVar contains an entry for this variant (Variation ID: 569772). Advanced modeling of protein sequence and biophysical properties (such as structural, functional, and spatial information, amino acid conservation, physicochemical variation, residue mobility, and thermodynamic stability) has been performed at Invitae for this missense variant, however the output from this modeling did not meet the statistical confidence thresholds required to predict the impact of this variant on STIM1 protein function. In summary, the available evidence is currently insufficient to determine the role of this variant in disease. Therefore, it has been classified as a Variant of Uncertain Significance.